The following is an entry in ClinVar:

NM_018418.5(SPATA7):c.1210G>T (p.Glu404Ter)

Gene: SPATA7 (spermatogenesis associated 7; plus strand). Cytogenetic location: 14q31.3.
Variant type: single nucleotide variant.
Coding change: c.1210G>T on transcript NM_018418.5 (MANE Select); coding-DNA position 1210, G replaced by T.
Protein change: p.Glu404Ter; replaces glutamic acid 404 with a stop codon.
Molecular consequence: nonsense.
Genome position (GRCh38, 1-based): chr14:88,437,592, G>T. VCF-style: chr14-88437592-G-T. GRCh37 (hg19) VCF-style: chr14-88903936-G-T.
Other names: c.1114G>T, p.Glu372Ter (NM_001040428.4); short protein forms E372*, E404*.
Identifiers: ClinVar variation 1072160 (VCV001072160.9), dbSNP rs749304751, ClinGen allele CA390570729.
Genomic context (GRCh38, chr14:88,437,592, plus strand): 5'-ATCATTTGTAGGTTTTTAGAACGACTGTTCGAGCGACATATAAAACAAAATAAACATTTG[G>T]AGGAGGTTTGTCTTTCCTTATAACTTCATTAGAAAAATTATAATGTAAAAATAATTGTAT-3'

ClinVar aggregate classification (germline): Pathogenic (1 of 4 stars; one submission).

Conditions:
Leber congenital amaurosis 3 (LCA3). Also called: SPATA7-Related Retinitis Pigmentosa. Identifiers: MedGen C1858677, MONDO:0011415, OMIM 604232.

gnomAD v4.1: 1 of 1,608,682 alleles (0.000062%); highest among the groups gnomAD compares: Non-Finnish European, 0.000085%; no homozygotes.

Submission:

Labcorp Genetics (formerly Invitae), Labcorp
Classification: Pathogenic for Leber congenital amaurosis 3. Last evaluated: 2024-12-02. Review status: criteria provided, single submitter. Criteria: Invitae Variant Classification Sherloc (09022015). Collection method: clinical testing. Allele origin: germline.
Comment: This sequence change creates a premature translational stop signal (p.Glu404*) in the SPATA7 gene. While this is not anticipated to result in nonsense mediated decay, it is expected to disrupt the last 196 amino acid(s) of the SPATA7 protein. This variant is present in population databases (no rsID available, gnomAD 0.0009%). This variant has not been reported in the literature in individuals affected with SPATA7-related conditions. ClinVar contains an entry for this variant (Variation ID: 1072160). Algorithms developed to predict the effect of sequence changes on RNA splicing suggest that this variant may disrupt the consensus splice site. This variant disrupts a region of the SPATA7 protein in which other variant(s) (p.Asn454Lysfs*2) have been determined to be pathogenic (PMID: 19268277, 23847139, 26854980; internal data). This suggests that this is a clinically significant region of the protein, and that variants that disrupt it are likely to be disease-causing. For these reasons, this variant has been classified as Pathogenic.

Literature cited by the submitters: PubMed 19268277; PubMed 23847139; PubMed 26854980.